The following is an entry in ClinVar:

ClinVar aggregate classification (germline): Pathogenic (1 of 4 stars; one submission).

gnomAD v4.1: 1 of 1,614,142 alleles (0.000062%); highest among the groups gnomAD compares: Non-Finnish European, 0.000085%; no homozygotes.

Submission:

Labcorp Genetics (formerly Invitae), Labcorp
Classification: Pathogenic. Last evaluated: 2025-06-11. Review status: criteria provided, single submitter. Criteria: Invitae Variant Classification Sherloc (09022015). Collection method: clinical testing. Allele origin: germline.
Comment: This sequence change creates a premature translational stop signal (p.Arg892*) in the HIVEP2 gene. It is expected to result in an absent or disrupted protein product. Loss-of-function variants in HIVEP2 are known to be pathogenic (PMID: 27003583). This variant is not present in population databases (gnomAD no frequency). This variant has not been reported in the literature in individuals affected with HIVEP2-related conditions. For these reasons, this variant has been classified as Pathogenic.

Literature cited by the submitters: PubMed 27003583.

NM_006734.4(HIVEP2):c.2674C>T (p.Arg892Ter)

Gene: HIVEP2 (HIVEP zinc finger 2; minus strand). Cytogenetic location: 6q24.2.
Variant type: single nucleotide variant.
Coding change: c.2674C>T on transcript NM_006734.4 (MANE Select); coding-DNA position 2674, C replaced by T.
Protein change: p.Arg892Ter; replaces arginine 892 with a stop codon.
Molecular consequence: nonsense.
Genome position (GRCh38, 1-based): chr6:142,772,065, G>A on the plus strand (C>T on the coding strand, the complement: HIVEP2 is on the minus strand). VCF-style: chr6-142772065-G-A. GRCh37 (hg19) VCF-style: chr6-143093202-G-A.
Other names: c.2674C>T, p.Arg892Ter (NM_001438449.1, NM_001438450.1, NM_001438451.1); short protein forms R892*.
Identifiers: ClinVar variation 4712631 (VCV004712631.1).